The following is an entry in ClinVar:

NM_020458.4(TTC7A):c.280A>T (p.Lys94Ter)

Gene: TTC7A (tetratricopeptide repeat domain 7A; plus strand). Cytogenetic location: 2p21.
Variant type: single nucleotide variant.
Coding change: c.280A>T on transcript NM_020458.4 (MANE Select); coding-DNA position 280, A replaced by T.
Protein change: p.Lys94Ter; replaces lysine 94 with a stop codon.
Molecular consequence: nonsense. On other transcripts: 5 prime UTR variant (1).
Genome position (GRCh38, 1-based): chr2:46,950,458, A>T. VCF-style: chr2-46950458-A-T. GRCh37 (hg19) VCF-style: chr2-47177597-A-T.
Other names: c.280A>T, p.Lys94Ter (LRG_1323t1, NM_001288951.2); c.178A>T, p.Lys60Ter (NM_001288953.2); c.-625A>T (NM_001288955.2); short protein forms K60*, K94*.
Identifiers: ClinVar variation 640974 (VCV000640974.7), dbSNP rs766411601, ClinGen allele CA346717324.

ClinVar aggregate classification (germline): Pathogenic (1 of 4 stars; one submission).

Conditions:
Multiple gastrointestinal atresias. Also called: Multiple intestinal atresia; FAMILIAL INTESTINAL POLYATRESIA SYNDROME. Identifiers: Orphanet 2300, MedGen C0220744, MONDO:0009465.

Submission:

Labcorp Genetics (formerly Invitae), Labcorp
Classification: Pathogenic for Multiple gastrointestinal atresias. Last evaluated: 2018-11-05. Review status: criteria provided, single submitter. Criteria: Invitae Variant Classification Sherloc (09022015). Collection method: clinical testing. Allele origin: germline.
Comment: For these reasons, this variant has been classified as Pathogenic. Loss-of-function variants in TTC7A are known to be pathogenic (PMID: 23830146, 24292712). This variant has not been reported in the literature in individuals with TTC7A-related disease. This variant is not present in population databases (ExAC no frequency). This sequence change creates a premature translational stop signal (p.Lys94*) in the TTC7A gene. It is expected to result in an absent or disrupted protein product.

Literature cited by the submitters: PubMed 23830146; PubMed 24292712.